The following is an entry in ClinVar:

ClinVar aggregate classification (germline): Uncertain significance. Review status: criteria provided, multiple submitters, no conflicts (2 of 4 stars). 2 submissions from 2 submitters: Uncertain significance (2). Last evaluated 2026-01-29.

Conditions:
Developmental and epileptic encephalopathy, 54. Also called: Epileptic encephalopathy, early infantile, 54; HNRNPU-Related Neurodevelopmental Disorder. Identifiers: MedGen C4479319, MONDO:0033363, OMIM 617391.

Submissions (2):

GeneDx
Classification: Uncertain significance. Last evaluated: 2026-01-29. Review status: criteria provided, single submitter. Criteria: GeneDx Variant Classification Process June 2021. Collection method: clinical testing. Allele origin: germline.
Comment: Not observed at significant frequency in large population cohorts (gnomAD); In-frame deletion of 1 amino acid(s) in a non-repeat region; In silico analysis supports a deleterious effect on protein structure/function; Has not been previously published as pathogenic or benign to our knowledge

Labcorp Genetics (formerly Invitae), Labcorp
Classification: Uncertain significance for Developmental and epileptic encephalopathy, 54. Last evaluated: 2023-11-18. Review status: criteria provided, single submitter. Criteria: Invitae Variant Classification Sherloc (09022015). Collection method: clinical testing. Allele origin: germline.
Comment: This variant, c.538_540del, results in the deletion of 1 amino acid(s) of the HNRNPU protein (p.Ala180del), but otherwise preserves the integrity of the reading frame. This variant is not present in population databases (gnomAD no frequency). This variant has not been reported in the literature in individuals affected with HNRNPU-related conditions. Experimental studies and prediction algorithms are not available or were not evaluated, and the functional significance of this variant is currently unknown. In summary, the available evidence is currently insufficient to determine the role of this variant in disease. Therefore, it has been classified as a Variant of Uncertain Significance.

NM_031844.3(HNRNPU):c.535GCC[1] (p.Ala180del)

Gene: HNRNPU (heterogeneous nuclear ribonucleoprotein U; minus strand). Cytogenetic location: 1q44.
Variant type: Microsatellite.
Coding change: c.535GCC[1] on transcript NM_031844.3 (MANE Select); one copy of the 3-base unit GCC starting at c.535; the reference has two copies in a row; one copy, 3 bases deleted; also written c.538_540del.
Protein change: p.Ala180del; deletes alanine 180.
Molecular consequence: inframe deletion.
Genome position (GRCh38, 1-based): chr1:244,863,768-244,863,770, GGC deleted on the plus strand (GCC on the coding strand, the reverse complement: HNRNPU is on the minus strand); deleting any 3 consecutive bases within chr1:244,863,768-244,863,773 gives the same sequence; the position shown is the placement nearest the transcript's 3' end. VCF-style (leftmost placement, unchanged base first): chr1-244863767-TGGC-T. GRCh37 (hg19) VCF-style: chr1-245027069-TGGC-T.
Other names: c.535GCC[1], p.Ala180del (NM_004501.3); c.538_540del (NM_031844.2); short protein forms A180del.
Identifiers: ClinVar variation 1471348 (VCV001471348.7), dbSNP rs2102990578, ClinGen allele CA2580611582.
Genomic context (GRCh38, chr1:244,863,767, plus strand): 5'-GCGGCGCCACCGTCACCGCGAACAGCGAGGTGGGGCCGCTGCTCTTCCCCGCGGCCTCCT[TGGC>T]GGCCCCGCGCTGCTGTTGGGGCTGTTGCTGCTGCGTCGCCGGCGGTTGAGGCTGCTGCTC-3'